The following is an entry in ClinVar:

ClinVar aggregate classification (germline): Likely benign (1 of 4 stars; one submission).

Allele frequency attached by ClinVar (database versions not stated): gnomAD 0.01471; 1000 Genomes Project 0.02716; 1000 Genomes Project 30x 0.02842.

Submission:

GeneDx
Classification: Likely benign. Last evaluated: 2021-05-15. Review status: criteria provided, single submitter. Criteria: GeneDx Variant Classification Process June 2021. Collection method: clinical testing. Allele origin: germline. Affected: yes.
Comment: See Variant Classification Assertion Criteria.

NC_000006.12:g.65707335C>A

Gene: EYS (eyes shut homolog; minus strand). Cytogenetic location: 6q12.
Variant type: single nucleotide variant.
Genome position: GRCh38 VCF-style: chr6-65707335-C-A. GRCh37 (hg19) VCF-style: chr6-66417228-C-A.
Identifiers: ClinVar variation 1706777 (VCV001706777.3), dbSNP rs12660682, ClinGen allele CA140460016.